The following is an entry in ClinVar:

NM_021076.4(NEFH):c.564G>T (p.Glu188Asp)

Gene: NEFH (neurofilament heavy chain; plus strand). Cytogenetic location: 22q12.2.
Variant type: single nucleotide variant.
Coding change: c.564G>T on transcript NM_021076.4 (MANE Select); coding-DNA position 564, G replaced by T.
Protein change: p.Glu188Asp; replaces glutamic acid 188 with aspartic acid.
Molecular consequence: missense variant.
Genome position (GRCh38, 1-based): chr22:29,480,826, G>T. VCF-style: chr22-29480826-G-T. GRCh37 (hg19) VCF-style: chr22-29876815-G-T.
Other names: short protein forms E188D.
Identifiers: ClinVar variation 1748858 (VCV001748858.7), dbSNP rs1393248643, ClinGen allele CA411123183.

ClinVar aggregate classification (germline): Uncertain significance. Review status: criteria provided, multiple submitters, no conflicts (2 of 4 stars). 2 submissions from 2 submitters: Uncertain significance (2). Last evaluated 2022-09-12.

Conditions:
Inborn genetic diseases. Identifiers: MedGen C0950123, MeSH D030342.

Allele frequency attached by ClinVar (database versions not stated): gnomAD 0.00001.
gnomAD v4.1: 5 of 1,394,370 alleles (0.00036%); highest among the groups gnomAD compares: Non-Finnish European, 0.00046%; no homozygotes.

Submissions (2):

Ambry Genetics
Classification: Uncertain significance for Inborn genetic diseases. Last evaluated: 2022-09-12. Review status: criteria provided, single submitter. Criteria: Ambry Variant Classification Scheme 2023. Collection method: clinical testing. Allele origin: germline.
Comment: The p.E188D variant (also known as c.564G>T), located in coding exon 1 of the NEFH gene, results from a G to T substitution at nucleotide position 564. The glutamic acid at codon 188 is replaced by aspartic acid, an amino acid with highly similar properties. This amino acid position is conserved. In addition, the in silico prediction for this alteration is inconclusive. Since supporting evidence is limited at this time, the clinical significance of this alteration remains unclear.

Labcorp Genetics (formerly Invitae), Labcorp
Classification: Uncertain significance. Last evaluated: 2022-05-28. Review status: criteria provided, single submitter. Criteria: Invitae Variant Classification Sherloc (09022015). Collection method: clinical testing. Allele origin: germline.
Comment: In summary, the available evidence is currently insufficient to determine the role of this variant in disease. Therefore, it has been classified as a Variant of Uncertain Significance. Advanced modeling of protein sequence and biophysical properties (such as structural, functional, and spatial information, amino acid conservation, physicochemical variation, residue mobility, and thermodynamic stability) performed at Invitae indicates that this missense variant is not expected to disrupt NEFH protein function. This variant has not been reported in the literature in individuals affected with NEFH-related conditions. This variant is present in population databases (no rsID available, gnomAD 0.007%). This sequence change replaces glutamic acid, which is acidic and polar, with aspartic acid, which is acidic and polar, at codon 188 of the NEFH protein (p.Glu188Asp).